The following is an entry in ClinVar:

ClinVar aggregate classification (germline): Likely benign. Review status: criteria provided, multiple submitters, no conflicts (2 of 4 stars). 4 submissions from 4 submitters: Likely benign (3). 1 of the submissions does not count toward it. Last evaluated 2025-12-30.

Conditions:
TRPM1-related disorder. Also called: TRPM1-related condition.

Allele frequency attached by ClinVar (database versions not stated): ExAC 0.00002; gnomAD exomes 0.00004 and 0.00005; gnomAD 0.00009 and 0.00011; TOPMed 0.00011; ESP Exome Variant Server 0.00016.
gnomAD v4.1: 92 of 1,614,204 alleles (0.0057%); highest among the groups gnomAD compares: African/African-American, 0.063%; 2 homozygotes.

Submissions (4):

Labcorp Genetics (formerly Invitae), Labcorp
Classification: Likely benign. Last evaluated: 2025-12-30. Review status: criteria provided, single submitter. Criteria: Invitae Variant Classification Sherloc (09022015). Collection method: clinical testing. Allele origin: germline.

Blueprint Genetics
Classification: Likely benign. Last evaluated: 2024-11-01. Review status: criteria provided, single submitter. Criteria: ACMG Guidelines, 2015. Collection method: clinical testing. Allele origin: germline.

CeGaT Center for Human Genetics Tuebingen
Classification: Likely benign. Last evaluated: 2019-07-01. Review status: criteria provided, single submitter. Criteria: CeGaT Center For Human Genetics Tuebingen Variant Classification Criteria Version 2. Collection method: clinical testing. Allele origin: germline. Affected: yes. Observed: 1 variant allele.

PreventionGenetics, part of Exact Sciences
Classification: Likely benign for TRPM1-related condition. Last evaluated: 2019-05-22. Review status: no assertion criteria provided. Collection method: clinical testing. Allele origin: germline. Not counted in ClinVar's aggregate classification.
Comment: This variant is classified as likely benign based on ACMG/AMP sequence variant interpretation guidelines (Richards et al. 2015 PMID: 25741868, with internal and published modifications).

NM_001252024.2(TRPM1):c.1551G>A (p.Arg517=)

Gene: TRPM1 (transient receptor potential cation channel subfamily M member 1; minus strand). Cytogenetic location: 15q13.3.
Variant type: single nucleotide variant.
Coding change: c.1551G>A on transcript NM_001252024.2 (MANE Select); coding-DNA position 1551, G replaced by A.
Protein change: p.Arg517=; no amino-acid change (arginine 517 retained).
Molecular consequence: synonymous variant.
Genome position (GRCh38, 1-based): chr15:31,049,396, C>T on the plus strand (G>A on the coding strand, the complement: TRPM1 is on the minus strand). VCF-style: chr15-31049396-C-T. GRCh37 (hg19) VCF-style: chr15-31341599-C-T.
Other names: c.1602G>A (NM_001252020.1); c.1602G>A, p.Arg534= (NM_001252020.2); c.1485G>A, p.Arg495= (NM_002420.6).
Identifiers: ClinVar variation 778522 (VCV000778522.52), dbSNP rs373513724, ClinGen allele CA7452538.